The following is an entry in ClinVar:

ClinVar aggregate classification (germline): Uncertain significance (1 of 4 stars; one submission).

Submission:

GeneDx
Classification: Uncertain significance. Last evaluated: 2022-05-10. Review status: criteria provided, single submitter. Criteria: GeneDx Variant Classification Process June 2021. Collection method: clinical testing. Allele origin: germline. Affected: yes.
Comment: Not observed at significant frequency in large population cohorts (gnomAD); In silico analysis supports that this missense variant has a deleterious effect on protein structure/function; Has not been previously published as pathogenic or benign to our knowledge

NM_006766.5(KAT6A):c.971C>A (p.Ala324Glu)

Gene: KAT6A (lysine acetyltransferase 6A; minus strand). Cytogenetic location: 8p11.21.
Variant type: single nucleotide variant.
Coding change: c.971C>A on transcript NM_006766.5 (MANE Select); coding-DNA position 971, C replaced by A.
Protein change: p.Ala324Glu; replaces alanine 324 with glutamic acid.
Molecular consequence: missense variant.
Genome position (GRCh38, 1-based): chr8:41,978,714, G>T on the plus strand (C>A on the coding strand, the complement: KAT6A is on the minus strand). VCF-style: chr8-41978714-G-T. GRCh37 (hg19) VCF-style: chr8-41836232-G-T.
Other names: c.971C>A, p.Ala324Glu (NM_001305878.2); short protein forms A324E.
Identifiers: ClinVar variation 1723587 (VCV001723587.2), dbSNP rs2486813350, ClinGen allele CA371076725.
Genomic context (GRCh38, chr8:41,978,714, plus strand): 5'-TTCTTTAACCTGTTTTTTGGACGTCCTATTGGATTAGTATAGCGCCGTTTTATCTGTGCT[G>T]CCTTCTTTTGTAGAAGTTTTCGTCCTTTTTTCCTAGGTCGACATATTTGACATATCCACA-3'
Protein context (NP_006757.2, residues 314-334): KKGRKLLQKK[Ala324Glu]AQIKRRYTNP